The following is an entry in ClinVar:

ClinVar aggregate classification (germline): Conflicting classifications of pathogenicity. Review status: criteria provided, conflicting classifications (1 of 4 stars). 5 submissions from 5 submitters: Uncertain significance (4); Likely benign (1). Last evaluated 2026-03-01.

Conditions:
Hereditary spastic paraplegia 3A (SPG3A). Also called: Spastic paraplegia 3A, autosomal dominant; SPASTIC PARAPLEGIA 3, AUTOSOMAL DOMINANT; FAMILIAL SPASTIC PARAPLEGIA, AUTOSOMAL DOMINANT, 1; SPG3; STRUMPELL DISEASE; Spastic Paraplegia 3A. Identifiers: Orphanet 100984, MedGen C2931355, MONDO:0008437, OMIM 182600.

Allele frequency attached by ClinVar (database versions not stated): gnomAD 0.00003 and 0.00004; gnomAD exomes 0.00003 and 0.00005; TOPMed 0.00003; ExAC 0.00006; ESP Exome Variant Server 0.00015.
gnomAD v4.1: 75 of 1,613,846 alleles (0.0046%); highest among the groups gnomAD compares: Non-Finnish European, 0.0051%; no homozygotes.

Submissions (5):

CeGaT Center for Human Genetics Tuebingen
Classification: Likely benign. Last evaluated: 2026-03-01. Review status: criteria provided, single submitter. Criteria: CeGaT Center For Human Genetics Tuebingen Variant Classification Criteria Version 2. Collection method: clinical testing. Allele origin: germline. Affected: yes. Observed: 4 variant alleles.
Comment: ATL1: BP4

Labcorp Genetics (formerly Invitae), Labcorp
Classification: Uncertain significance for Hereditary spastic paraplegia 3A. Last evaluated: 2025-07-03. Review status: criteria provided, single submitter. Criteria: Invitae Variant Classification Sherloc (09022015). Collection method: clinical testing. Allele origin: germline.
Comment: This sequence change replaces asparagine, which is neutral and polar, with serine, which is neutral and polar, at codon 104 of the ATL1 protein (p.Asn104Ser). This variant is present in population databases (rs377736535, gnomAD 0.02%). This missense change has been observed in individual(s) with hereditary spastic paraplegia (PMID: 28736820). ClinVar contains an entry for this variant (Variation ID: 450586). Invitae Evidence Modeling of protein sequence and biophysical properties (such as structural, functional, and spatial information, amino acid conservation, physicochemical variation, residue mobility, and thermodynamic stability) has been performed for this missense variant. However, the output from this modeling did not meet the statistical confidence thresholds required to predict the impact of this variant on ATL1 protein function. In summary, the available evidence is currently insufficient to determine the role of this variant in disease. Therefore, it has been classified as a Variant of Uncertain Significance.

Athena Diagnostics
Classification: Uncertain significance. Last evaluated: 2021-08-13. Review status: criteria provided, single submitter. Criteria: Athena Diagnostics Criteria. Collection method: clinical testing. Allele origin: unknown.

Knight Diagnostic Laboratories, Oregon Health and Sciences University
Classification: Uncertain significance for Spastic paraplegia 3, autosomal dominant. Last evaluated: 2019-11-18. Review status: criteria provided, single submitter. Criteria: ACMG Guidelines, 2015. Collection method: clinical testing. Allele origin: germline. Observed: 1 variant allele.

GeneDx
Classification: Uncertain significance. Last evaluated: 2018-01-26. Review status: criteria provided, single submitter. Criteria: GeneDx Variant Classification (06012015). Collection method: clinical testing. Allele origin: germline. Affected: yes.
Comment: A variant of uncertain significance has been identified in the ATL1 gene. The N104S variant has not been published as a pathogenic variant, nor has it been reported as a benign variant to our knowledge. The N104S variant is observed in 7/66676 (0.01%) alleles from individuals of Europea background (Lek et al., 2016; 1000 Genomes Consortium et al., 2015; Exome Variant Server). The N104S variant is a conservative amino acid substitution, which is not likely to impact secondary protein structure as these residues share similar properties. This substitution occurs at a position that is not conserved. However, in silico analysis is inconsistent in its predictions as to whether or not the variant is damaging to the protein structure/function. Therefore, based on the currently available information, it is unclear whether this variant is a pathogenic variant or a rare benign variant.

Literature cited by the submitters: PubMed 28736820 (cited by Labcorp Genetics (formerly Invitae), Labcorp and Athena Diagnostics).

NM_015915.5(ATL1):c.311A>G (p.Asn104Ser)

Gene: ATL1 (atlastin GTPase 1; plus strand). Cytogenetic location: 14q22.1.
Variant type: single nucleotide variant.
Coding change: c.311A>G on transcript NM_015915.5 (MANE Select); coding-DNA position 311, A replaced by G.
Protein change: p.Asn104Ser; replaces asparagine 104 with serine.
Molecular consequence: missense variant.
Genome position (GRCh38, 1-based): chr14:50,590,969, A>G. VCF-style: chr14-50590969-A-G. GRCh37 (hg19) VCF-style: chr14-51057687-A-G.
Other names: c.311A>G, p.Asn104Ser (NM_001127713.1, NM_181598.4); short protein forms N104S.
Identifiers: ClinVar variation 450586 (VCV000450586.49), dbSNP rs377736535, ClinGen allele CA7180212.